The following is an entry in ClinVar:

NM_007294.4(BRCA1):c.4571_4572insCC (p.Gln1525fs)

Gene: BRCA1 (BRCA1 DNA repair associated; minus strand). Cytogenetic location: 17q21.31.
Variant type: Insertion.
Coding change: c.4571_4572insCC on transcript NM_007294.4 (MANE Select); coding-DNA positions 4571 to 4572, CC inserted.
Protein change: p.Gln1525fs; shifts the reading frame from glutamine 1525.
Molecular consequence: frameshift variant. On other transcripts: non-coding transcript variant (1).
Genome position: GRCh38 VCF-style: chr17-43074434-A-AGG. GRCh37 (hg19) VCF-style: chr17-41226451-A-AGG.
Other names: c.4571_4572insCC, p.Gln1525fs (NM_007294.3); c.4357_4358insCC, p.Gln1454Leufs (NM_001407571.1, NM_001407894.1, NM_001407895.1 and 12 more transcripts); c.4636_4637insCC, p.Gln1547Leufs (NM_001407581.1, NM_001407582.1); c.4633_4634insCC, p.Gln1546Leufs (NM_001407583.1, NM_001407585.1, NM_001407587.1); c.4630_4631insCC, p.Gln1545Leufs (NM_001407590.1, NM_001407591.1); c.4570_4571insCC, p.Gln1525Leufs (NM_001407593.1, NM_001407594.1, NM_001407596.1 and 8 more transcripts); c.4567_4568insCC, p.Gln1524Leufs (NM_001407610.1, NM_001407611.1, NM_001407612.1 and 17 more transcripts); c.4564_4565insCC, p.Gln1523Leufs (NM_001407627.1, NM_001407628.1, NM_001407629.1 and 14 more transcripts); and 72 more; short protein forms Q1478fs, Q1525fs, Q421fs, Q1546fs.
Identifiers: ClinVar variation 548185 (VCV000548185.2), dbSNP rs1555581948, ClinGen allele CA658825015.

ClinVar aggregate classification (germline): Pathogenic (3 of 4 stars; one submission).

Conditions:
Breast-ovarian cancer, familial, susceptibility to, 1 (BROVCA1). Also called: BRCA1 Hereditary Breast and Ovarian Cancer; OVARIAN CANCER, SUSCEPTIBILITY TO. Identifiers: Orphanet 145, MedGen C2676676, MONDO:0011450, OMIM 604370. Disease mechanism: loss of function.

Submission:

Evidence-based Network for the Interpretation of Germline Mutant Alleles (ENIGMA)
Classification: Pathogenic for Breast-ovarian cancer, familial, susceptibility to, 1. Last evaluated: 2017-12-15. Review status: reviewed by expert panel. Criteria: ENIGMA BRCA1/2 Classification Criteria (2017-06-29). Collection method: curation. Allele origin: germline. Study: ENIGMA.
Comment: Variant allele predicted to encode a truncated non-functional protein.